The following is an entry in ClinVar:

ClinVar aggregate classification (germline): Conflicting classifications of pathogenicity. Review status: criteria provided, conflicting classifications (1 of 4 stars). 10 submissions from 7 submitters: Uncertain significance (1); Benign (4); Likely benign (2). 3 of the submissions do not count toward it. Last evaluated 2026-08-01.

Conditions:
Protoporphyria, erythropoietic, 1 (EPP1). Also called: Erythropoietic Protoporphyria, Autosomal Recessive; FERROCHELATASE DEFICIENCY; HEME SYNTHETASE DEFICIENCY. Identifiers: Orphanet 79278, MedGen C4692546, MONDO:0008319, OMIM 177000.
Acute intermittent porphyria (AIP). Also called: HMBS deficiency; Hydroxymethylbilane Synthase Deficiency; PBGD DEFICIENCY; PORPHOBILINOGEN DEAMINASE DEFICIENCY; PORPHYRIA, SWEDISH TYPE; UPS DEFICIENCY. Identifiers: Orphanet 79276, MedGen C0162565, MONDO:0008294, OMIM 176000.
Hereditary coproporphyria (HCP). Also called: Hereditary coproporphyria porphyria; Porphyria hepatica coproporphyria; Porphyria hepatica II; CPRO deficiency; COPROPORPHYRINOGEN OXIDASE DEFICIENCY; CPO DEFICIENCY. Identifiers: Orphanet 79273, MedGen C0162531, MONDO:0007369, OMIM 121300.
Variegate porphyria (VP). Also called: PORPHYRIA, SOUTH AFRICAN TYPE; PROTOPORPHYRINOGEN OXIDASE DEFICIENCY; PPOX DEFICIENCY. Identifiers: Orphanet 79473, MedGen C0162532, MONDO:0008297, OMIM 176200.

Allele frequency attached by ClinVar (database versions not stated): 1000 Genomes Project 0.00140; gnomAD exomes 0.00624 and 0.00431; 1000 Genomes Project 30x 0.00141; gnomAD 0.00392 and 0.00431; ExAC 0.00467; TOPMed 0.00425; ESP Exome Variant Server 0.00469.
gnomAD v4.1: 9,690 of 1,614,140 alleles (0.6%); highest among the groups gnomAD compares: Non-Finnish European, 0.72%; 46 homozygotes.

Submissions (10):

CeGaT Center for Human Genetics Tuebingen
Classification: Likely benign. Last evaluated: 2026-08-01. Review status: criteria provided, single submitter. Criteria: CeGaT Center For Human Genetics Tuebingen Variant Classification Criteria Version 2. Collection method: clinical testing. Allele origin: germline. Affected: yes. Observed: 4 variant alleles.
Comment: ABCB6: BS2

Labcorp Genetics (formerly Invitae), Labcorp
Classification: Benign. Last evaluated: 2026-02-02. Review status: criteria provided, single submitter. Criteria: Invitae Variant Classification Sherloc (09022015). Collection method: clinical testing. Allele origin: germline.

GeneDx
Classification: Uncertain significance. Last evaluated: 2022-03-04. Review status: criteria provided, single submitter. Criteria: GeneDx Variant Classification Process June 2021. Collection method: clinical testing. Allele origin: germline. Affected: yes.
Comment: Observed in individuals with the Lan(-) blood group who also had additional variants in the ABCB6 gene (Koszarska et al., 2014; Haer-Wigman et al., 2014); Reported in a proband with a suspected hereditary anemia who also harbors a variant in the SLC4A1 gene, but familial segregation information was not provided (Andolfo et al., 2021); Reported with another ABCB6 variant on the opposite allele (in trans) in an individual with primary sclerosing cholangitis and ulcerative colitis (Haisma et al., 2021); Published functional studies suggest a dominant negative effect for this variant (Fukuda et al., 2016); This variant is associated with the following publications: (PMID: 24456066, 22958180, 27507172, 23763549, 25360778, 34201899, 33590606)

Phillips Lab,  Hematology, University of Utah
Classification: Likely benign for Acute intermittent porphyria. Last evaluated: 2021-08-16. Review status: criteria provided, single submitter. Criteria: Submitter’s Publication. Collection method: clinical testing. Allele origin: unknown. Affected: yes.

Phillips Lab,  Hematology, University of Utah
Classification: Benign for Variegate porphyria. Last evaluated: 2021-08-16. Review status: criteria provided, single submitter. Criteria: Submitter’s Publication. Collection method: clinical testing. Allele origin: unknown. Affected: yes.

Phillips Lab,  Hematology, University of Utah
Classification: Benign for Hereditary coproporphyria. Last evaluated: 2021-08-16. Review status: criteria provided, single submitter. Criteria: Submitter’s Publication. Collection method: clinical testing. Allele origin: unknown. Affected: yes.

Phillips Lab,  Hematology, University of Utah
Classification: Benign for Protoporphyria, erythropoietic, 1. Last evaluated: 2021-08-16. Review status: criteria provided, single submitter. Criteria: Submitter’s Publication. Collection method: clinical testing. Allele origin: unknown. Affected: yes.

Clinical Genetics DNA and cytogenetics Diagnostics Lab, Erasmus MC, Erasmus Medical Center
Classification: Likely benign. Review status: no assertion criteria provided. Collection method: clinical testing. Allele origin: germline. Affected: yes. Study: VKGL Data-share Consensus. Not counted in ClinVar's aggregate classification.

Clinical Genetics, Academic Medical Center
Classification: Likely benign. Review status: no assertion criteria provided. Collection method: clinical testing. Allele origin: germline. Affected: yes. Study: VKGL Data-share Consensus. Not counted in ClinVar's aggregate classification.

Genome Diagnostics Laboratory, University Medical Center Utrecht
Classification: Likely benign. Review status: no assertion criteria provided. Collection method: clinical testing. Allele origin: germline. Affected: yes. Study: VKGL Data-share Consensus. Not counted in ClinVar's aggregate classification.

NM_005689.4(ABCB6):c.1762G>A (p.Gly588Ser)

Gene: ABCB6 (ATP binding cassette subfamily B member 6 (LAN blood group); minus strand). Cytogenetic location: 2q35.
Variant type: single nucleotide variant.
Coding change: c.1762G>A on transcript NM_005689.4 (MANE Select); coding-DNA position 1762, G replaced by A.
Protein change: p.Gly588Ser; replaces glycine 588 with serine.
Molecular consequence: missense variant.
Genome position (GRCh38, 1-based): chr2:219,213,284, C>T on the plus strand (G>A on the coding strand, the complement: ABCB6 is on the minus strand). VCF-style: chr2-219213284-C-T. GRCh37 (hg19) VCF-style: chr2-220078006-C-T.
Other names: c.1762G>A (NM_005689.2); c.1624G>A, p.Gly542Ser (NM_001349828.2); short protein forms G542S, G588S.
Identifiers: ClinVar variation 1284646 (VCV001284646.38), dbSNP rs145526996, ClinGen allele CA2119237.